The following is an entry in ClinVar:

NM_012254.3(SLC27A5):c.276CTT[1] (p.Phe93del)

Gene: SLC27A5 (solute carrier family 27 member 5; minus strand). Cytogenetic location: 19q13.43.
Variant type: Microsatellite.
Coding change: c.276CTT[1] on transcript NM_012254.3 (MANE Select); one copy of the 3-base unit CTT starting at c.276; the reference has two copies in a row; one copy, 3 bases deleted.
Protein change: p.Phe93del; deletes phenylalanine 93.
Molecular consequence: inframe deletion.
Genome position (GRCh38, 1-based): chr19:58,511,675-58,511,677, AAG deleted on the plus strand (CTT on the coding strand, the reverse complement: SLC27A5 is on the minus strand); deleting any 3 consecutive bases within chr19:58,511,675-58,511,681 gives the same sequence; the position shown is the placement nearest the transcript's 3' end. VCF-style (leftmost placement, unchanged base first): chr19-58511674-CAAG-C. GRCh37 (hg19) VCF-style: chr19-59023041-CAAG-C.
Other names: c.276CTT[1], p.Phe93del (NM_001321196.2); short protein forms F93del.
Identifiers: ClinVar variation 4978266 (VCV004978266.1).

ClinVar aggregate classification (germline): Uncertain significance (1 of 4 stars; one submission).

Conditions:
SLC27A5-related disorder. Also called: SLC27A5-related condition.

Submission:

PreventionGenetics, part of Exact Sciences
Classification: Uncertain significance for SLC27A5-related condition. Last evaluated: 2026-08-23. Review status: criteria provided, single submitter. Criteria: ACMG Guidelines, 2015. Collection method: clinical testing. Allele origin: germline.
Comment: The SLC27A5 c.279_281delCTT variant is predicted to result in an in-frame deletion (p.Phe93del). To our knowledge, this variant has not been reported in the literature. This variant is reported in 0.0066% of alleles in individuals of East Asian descent in gnomAD. At this time, the clinical significance of this variant is uncertain due to the absence of conclusive functional and genetic evidence.